The following is an entry in ClinVar:

ClinVar aggregate classification (germline): Pathogenic (1 of 4 stars; one submission).

Conditions:
Microcephaly, normal intelligence and immunodeficiency (NBS). Also called: SEEMANOVA SYNDROME II; Immunodeficiency, microcephaly with normal intelligence; IMMUNODEFICIENCY, MICROCEPHALY, AND CHROMOSOMAL INSTABILITY; Ataxia telangiectasia variant V1; BERLIN BREAKAGE SYNDROME; Nijmegen breakage syndrome. Identifiers: Orphanet 647, MedGen C0398791, MONDO:0009623, OMIM 251260.

Submission:

Labcorp Genetics (formerly Invitae), Labcorp
Classification: Pathogenic for Microcephaly, normal intelligence and immunodeficiency. Last evaluated: 2021-10-18. Review status: criteria provided, single submitter. Criteria: Invitae Variant Classification Sherloc (09022015). Collection method: clinical testing. Allele origin: germline.
Comment: This variant is not present in population databases (ExAC no frequency). This sequence change creates a premature translational stop signal (p.Ser647Valfs*10) in the NBN gene. It is expected to result in an absent or disrupted protein product. This variant has not been reported in the literature in individuals with NBN-related conditions. For these reasons, this variant has been classified as Pathogenic. Loss-of-function variants in NBN are known to be pathogenic (PMID: 9590180, 16415040). Algorithms developed to predict the effect of sequence changes on RNA splicing suggest that this variant may create or strengthen a splice site, but this prediction has not been confirmed by published transcriptional studies.

Literature cited by the submitters: PubMed 9590180; PubMed 16415040.

NM_002485.5(NBN):c.1939del (p.Ser647fs)

Gene: NBN (nibrin; minus strand). Cytogenetic location: 8q21.3.
Variant type: Deletion.
Coding change: c.1939del on transcript NM_002485.5 (MANE Select); coding-DNA position 1939, one base deleted (A; older notation c.1939delA).
Protein change: p.Ser647fs; shifts the reading frame from serine 647.
Molecular consequence: frameshift variant.
Genome position (GRCh38, 1-based): chr8:89,946,271, T deleted on the plus strand (A on the coding strand, the reverse complement: NBN is on the minus strand). VCF-style (leftmost placement, unchanged base first): chr8-89946270-CT-C. GRCh37 (hg19) VCF-style: chr8-90958498-CT-C.
Other names: c.1693del, p.Ser565fs (NM_001024688.3); short protein forms S565fs, S647fs.
Identifiers: ClinVar variation 1073255 (VCV001073255.7), dbSNP rs2129648967, ClinGen allele CA2499219411.